The following is an entry in ClinVar:

NM_001286577.2(C2CD3):c.2787C>T (p.Val929=)

Gene: C2CD3 (C2 domain containing 3 centriole elongation regulator; minus strand). Cytogenetic location: 11q13.4.
Variant type: single nucleotide variant.
Coding change: c.2787C>T on transcript NM_001286577.2 (MANE Select); coding-DNA position 2787, C replaced by T.
Protein change: p.Val929=; no amino-acid change (valine 929 retained).
Molecular consequence: synonymous variant.
Genome position (GRCh38, 1-based): chr11:74,098,201, G>A on the plus strand (C>T on the coding strand, the complement: C2CD3 is on the minus strand). VCF-style: chr11-74098201-G-A. GRCh37 (hg19) VCF-style: chr11-73809246-G-A.
Other names: c.2787C>T, p.Val929= (NM_015531.6); c.2787C>T (NM_015531.5).
Identifiers: ClinVar variation 1914173 (VCV001914173.6), dbSNP rs752424336, ClinGen allele CA6182543.

ClinVar aggregate classification (germline): Likely benign. Review status: criteria provided, multiple submitters, no conflicts (2 of 4 stars). 2 submissions from 2 submitters: Likely benign (2). Last evaluated 2024-10-16.

Conditions:
C2CD3-related disorder. Also called: C2CD3-related condition.

Allele frequency attached by ClinVar (database versions not stated): ExAC 0.00001; TOPMed 0.00001.
gnomAD v4.1: 12 of 1,614,010 alleles (0.00074%); highest among the groups gnomAD compares: African/African-American, 0.0027%; no homozygotes.

Submissions (2):

PreventionGenetics, part of Exact Sciences
Classification: Likely benign for C2CD3-related condition. Last evaluated: 2024-10-16. Review status: criteria provided, single submitter. Criteria: ACMG Guidelines, 2015. Collection method: clinical testing. Allele origin: germline.
Comment: This variant is classified as likely benign based on ACMG/AMP sequence variant interpretation guidelines (Richards et al. 2015 PMID: 25741868, with internal and published modifications).

Labcorp Genetics (formerly Invitae), Labcorp
Classification: Likely benign. Last evaluated: 2024-07-17. Review status: criteria provided, single submitter. Criteria: Invitae Variant Classification Sherloc (09022015). Collection method: clinical testing. Allele origin: germline.